The following is an entry in ClinVar:

NM_005909.5(MAP1B):c.1624C>T (p.Arg542Ter)

Genes: MAP1B (microtubule associated protein 1B; plus strand), LOC129994023 (ATAC-STARR-seq lymphoblastoid active region 22644; plus strand). Cytogenetic location: 5q13.2.
Variant type: single nucleotide variant.
Coding change: c.1624C>T on transcript NM_005909.5 (MANE Select); coding-DNA position 1624, C replaced by T.
Protein change: p.Arg542Ter; replaces arginine 542 with a stop codon.
Molecular consequence: nonsense.
Genome position (GRCh38, 1-based): chr5:72,194,979, C>T. VCF-style: chr5-72194979-C-T. GRCh37 (hg19) VCF-style: chr5-71490806-C-T.
Other names: c.1624C>T (NM_005909.3); c.1246C>T, p.Arg416Ter (NM_001324255.2); short protein forms R416*, R542*.
Identifiers: ClinVar variation 3049795 (VCV003049795.3), dbSNP rs2478569039, ClinGen allele CA360000005.
Genomic context (GRCh38, chr5:72,194,979, plus strand): 5'-ACTGGCCAGGTGCCCACTCCTGTGGTGAAACAAACAAAACTGAAACAGAGGGCTGATAGC[C>T]GAGAAAGTCTGAAGCCAGCCGCAAAACCACTTCCTAGCAAATCCGTGCGCAAGGAGTCAA-3'

ClinVar aggregate classification (germline): Pathogenic. Review status: criteria provided, single submitter (1 of 4 stars). 2 submissions from 2 submitters: Pathogenic (1). 1 of the submissions does not count toward it. Last evaluated 2026-03-13.

Conditions:
MAP1B-related disorder. Also called: MAP1B-related condition.

Allele frequency attached by ClinVar (database versions not stated): gnomAD exomes below 0.00001.
gnomAD v4.1: 2 of 1,613,950 alleles (0.00012%); highest among the groups gnomAD compares: Non-Finnish European, 0.00017%; no homozygotes.

Submissions (2):

GeneDx
Classification: Pathogenic. Last evaluated: 2026-03-13. Review status: criteria provided, single submitter. Criteria: GeneDx Variant Classification Process June 2021. Collection method: clinical testing. Allele origin: germline.
Comment: Nonsense variant predicted to result in protein truncation or nonsense mediated decay in a gene for which loss of function is a known mechanism of disease; Not observed at significant frequency in large population cohorts (gnomAD); Has not been previously published as pathogenic or benign to our knowledge

PreventionGenetics, part of Exact Sciences
Classification: Likely pathogenic for MAP1B-related condition. Last evaluated: 2023-11-03. Review status: no assertion criteria provided. Collection method: clinical testing. Allele origin: germline. Not counted in ClinVar's aggregate classification.
Comment: The MAP1B c.1624C>T variant is predicted to result in premature protein termination (p.Arg542*). To our knowledge, this variant has not been reported in the literature or in a large population database, indicating this variant is rare. Nonsense variants in MAP1B are expected to be pathogenic. This variant is interpreted as likely pathogenic.